The following is an entry in ClinVar:

NM_007055.4(POLR3A):c.3646G>C (p.Glu1216Gln)

Gene: POLR3A (RNA polymerase III subunit A; minus strand). Cytogenetic location: 10q22.3.
Variant type: single nucleotide variant.
Coding change: c.3646G>C on transcript NM_007055.4 (MANE Select); coding-DNA position 3646, G replaced by C.
Protein change: p.Glu1216Gln; replaces glutamic acid 1216 with glutamine.
Molecular consequence: missense variant.
Genome position (GRCh38, 1-based): chr10:77,982,267, C>G on the plus strand (G>C on the coding strand, the complement: POLR3A is on the minus strand). VCF-style: chr10-77982267-C-G. GRCh37 (hg19) VCF-style: chr10-79742025-C-G.
Other names: short protein forms E1216Q.
Identifiers: ClinVar variation 1447477 (VCV001447477.6), dbSNP rs143679064, ClinGen allele CA210188662.

ClinVar aggregate classification (germline): Uncertain significance (1 of 4 stars; one submission).

Submission:

Labcorp Genetics (formerly Invitae), Labcorp
Classification: Uncertain significance. Last evaluated: 2024-10-24. Review status: criteria provided, single submitter. Criteria: Invitae Variant Classification Sherloc (09022015). Collection method: clinical testing. Allele origin: germline.
Comment: This sequence change replaces glutamic acid, which is acidic and polar, with glutamine, which is neutral and polar, at codon 1216 of the POLR3A protein (p.Glu1216Gln). This variant is not present in population databases (gnomAD no frequency). This variant has not been reported in the literature in individuals affected with POLR3A-related conditions. ClinVar contains an entry for this variant (Variation ID: 1447477). Invitae Evidence Modeling of protein sequence and biophysical properties (such as structural, functional, and spatial information, amino acid conservation, physicochemical variation, residue mobility, and thermodynamic stability) indicates that this missense variant is not expected to disrupt POLR3A protein function with a negative predictive value of 80%. In summary, the available evidence is currently insufficient to determine the role of this variant in disease. Therefore, it has been classified as a Variant of Uncertain Significance.